The following is an entry in ClinVar:

ClinVar aggregate classification (germline): Uncertain significance (1 of 4 stars; one submission).

Submission:

Labcorp Genetics (formerly Invitae), Labcorp
Classification: Uncertain significance. Last evaluated: 2022-02-10. Review status: criteria provided, single submitter. Criteria: Invitae Variant Classification Sherloc (09022015). Collection method: clinical testing. Allele origin: germline.
Comment: In summary, the available evidence is currently insufficient to determine the role of this variant in disease. Therefore, it has been classified as a Variant of Uncertain Significance. Algorithms developed to predict the effect of missense changes on protein structure and function (SIFT, PolyPhen-2, Align-GVGD) all suggest that this variant is likely to be tolerated. This variant has not been reported in the literature in individuals affected with CSF2RB-related conditions. This variant is not present in population databases (gnomAD no frequency). This sequence change replaces arginine, which is basic and polar, with glycine, which is neutral and non-polar, at codon 778 of the CSF2RB protein (p.Arg778Gly).

NM_000395.3(CSF2RB):c.2332A>G (p.Arg778Gly)

Gene: CSF2RB (colony stimulating factor 2 receptor subunit beta; plus strand). Cytogenetic location: 22q12.3.
Variant type: single nucleotide variant.
Coding change: c.2332A>G on transcript NM_000395.3 (MANE Select); coding-DNA position 2332, A replaced by G.
Protein change: p.Arg778Gly; replaces arginine 778 with glycine.
Molecular consequence: missense variant.
Genome position (GRCh38, 1-based): chr22:36,938,140, A>G. VCF-style: chr22-36938140-A-G. GRCh37 (hg19) VCF-style: chr22-37334182-A-G.
Other names: short protein forms R778G.
Identifiers: ClinVar variation 1391860 (VCV001391860.8), dbSNP rs2145828293, ClinGen allele CA411411284.
Genomic context (GRCh38, chr22:36,938,140, plus strand): 5'-CCTGTGAAGTCAGGGTTTGAGGGCTATGTGGAGCTCCCTCCAATTGAGGGCCGGTCCCCC[A>G]GGTCACCAAGGAACAATCCTGTCCCCCCTGAGGCCAAAAGCCCTGTCCTGAACCCAGGGG-3'
Protein context (NP_000386.1, residues 768-788): ELPPIEGRSP[Arg778Gly]SPRNNPVPPE